The following is an entry in ClinVar:

NM_178822.5(IGSF10):c.7759C>T (p.Gln2587Ter)

Gene: IGSF10 (immunoglobulin superfamily member 10; minus strand). Cytogenetic location: 3q25.1.
Variant type: single nucleotide variant.
Coding change: c.7759C>T on transcript NM_178822.5 (MANE Select); coding-DNA position 7759, C replaced by T.
Protein change: p.Gln2587Ter; replaces glutamine 2587 with a stop codon.
Molecular consequence: nonsense.
Genome position (GRCh38, 1-based): chr3:151,436,802, G>A on the plus strand (C>T on the coding strand, the complement: IGSF10 is on the minus strand). VCF-style: chr3-151436802-G-A. GRCh37 (hg19) VCF-style: chr3-151154590-G-A.
Other names: c.1696C>T, p.Gln566Ter (NM_001178145.3, NM_001178146.3); c.7759C>T, p.Gln2587Ter (NM_001385060.1, NM_001385061.1, NM_001385062.1 and 1 more transcripts); short protein forms Q566*, Q2587*.
Identifiers: ClinVar variation 4704776 (VCV004704776.1).

ClinVar aggregate classification (germline): Uncertain significance (1 of 4 stars; one submission).

gnomAD v4.1: 1 of 1,614,024 alleles (0.000062%); highest among the groups gnomAD compares: Admixed American, 0.0017%; no homozygotes.

Submission:

Labcorp Genetics (formerly Invitae), Labcorp
Classification: Uncertain significance. Last evaluated: 2025-09-25. Review status: criteria provided, single submitter. Criteria: Invitae Variant Classification Sherloc (09022015). Collection method: clinical testing. Allele origin: germline.
Comment: This sequence change creates a premature translational stop signal (p.Gln2587*) in the IGSF10 gene. While this is not anticipated to result in nonsense mediated decay, it is expected to disrupt the last 37 amino acid(s) of the IGSF10 protein. This variant is not present in population databases (gnomAD no frequency). This variant has not been reported in the literature in individuals affected with IGSF10-related conditions. Experimental studies and prediction algorithms are not available or were not evaluated, and the functional significance of this variant is currently unknown. In summary, the available evidence is currently insufficient to determine the role of this variant in disease. Therefore, it has been classified as a Variant of Uncertain Significance.